The following is an entry in ClinVar:

NM_005529.7(HSPG2):c.6205G>A (p.Asp2069Asn)

Gene: HSPG2 (heparan sulfate proteoglycan 2; minus strand). Cytogenetic location: 1p36.12.
Variant type: single nucleotide variant.
Coding change: c.6205G>A on transcript NM_005529.7 (MANE Select); coding-DNA position 6205, G replaced by A.
Protein change: p.Asp2069Asn; replaces aspartic acid 2069 with asparagine.
Molecular consequence: missense variant.
Genome position (GRCh38, 1-based): chr1:21,854,694, C>T on the plus strand (G>A on the coding strand, the complement: HSPG2 is on the minus strand). VCF-style: chr1-21854694-C-T. GRCh37 (hg19) VCF-style: chr1-22181187-C-T.
Other names: c.6208G>A, p.Asp2070Asn (NM_001291860.2); c.6205G>A (NM_005529.5); short protein forms D2069N, D2070N.
Identifiers: ClinVar variation 804906 (VCV000804906.6), dbSNP rs751734807, ClinGen allele CA671626.

ClinVar aggregate classification (germline): Uncertain significance. Review status: criteria provided, multiple submitters, no conflicts (2 of 4 stars). 5 submissions from 5 submitters: Uncertain significance (5). Last evaluated 2026-04-14.

Conditions:
HSPG2-related disorder. Also called: HSPG2-related condition; HSPG2-related disorders.

Allele frequency attached by ClinVar (database versions not stated): gnomAD 0.00008 and 0.00007; TOPMed 0.00006; gnomAD exomes 0.00011; ExAC 0.00012.
gnomAD v4.1: 196 of 1,611,528 alleles (0.012%); highest among the groups gnomAD compares: South Asian, 0.027%; no homozygotes.

Submissions (5):

GeneDx
Classification: Uncertain significance. Last evaluated: 2026-04-14. Review status: criteria provided, single submitter. Criteria: GeneDx Variant Classification Process June 2021. Collection method: clinical testing. Allele origin: germline.
Comment: In silico analysis suggests that this missense variant does not alter protein structure/function; Has not been previously published as pathogenic or benign to our knowledge

Blueprint Genetics
Classification: Uncertain significance. Last evaluated: 2024-09-24. Review status: criteria provided, single submitter. Criteria: ACMG Guidelines, 2015. Collection method: clinical testing. Allele origin: germline.

PreventionGenetics, part of Exact Sciences
Classification: Uncertain significance for HSPG2-related condition. Last evaluated: 2023-03-14. Review status: criteria provided, single submitter. Criteria: ACMG Guidelines, 2015. Collection method: clinical testing. Allele origin: germline.
Comment: The HSPG2 c.6205G>A variant is predicted to result in the amino acid substitution p.Asp2069Asn. To our knowledge, this variant has not been reported in the literature. This variant is reported in 0.027% of alleles in individuals of South Asian descent in gnomAD. At this time, the clinical significance of this variant is uncertain due to the absence of conclusive functional and genetic evidence.

Labcorp Genetics (formerly Invitae), Labcorp
Classification: Uncertain significance. Last evaluated: 2022-05-08. Review status: criteria provided, single submitter. Criteria: Invitae Variant Classification Sherloc (09022015). Collection method: clinical testing. Allele origin: germline.
Comment: This sequence change replaces aspartic acid, which is acidic and polar, with asparagine, which is neutral and polar, at codon 2069 of the HSPG2 protein (p.Asp2069Asn). This variant is present in population databases (rs751734807, gnomAD 0.02%). This variant has not been reported in the literature in individuals affected with HSPG2-related conditions. ClinVar contains an entry for this variant (Variation ID: 804906). Algorithms developed to predict the effect of missense changes on protein structure and function are either unavailable or do not agree on the potential impact of this missense change (SIFT: "Deleterious"; PolyPhen-2: "Probably Damaging"; Align-GVGD: "Class C0"). In summary, the available evidence is currently insufficient to determine the role of this variant in disease. Therefore, it has been classified as a Variant of Uncertain Significance.

Athena Diagnostics
Classification: Uncertain significance. Last evaluated: 2022-04-28. Review status: criteria provided, single submitter. Criteria: Athena Diagnostics Criteria. Collection method: clinical testing. Allele origin: unknown.